The following is an entry in ClinVar:

ClinVar aggregate classification (germline): Uncertain significance. Review status: criteria provided, multiple submitters, no conflicts (2 of 4 stars). 2 submissions from 2 submitters: Uncertain significance (2). Last evaluated 2025-06-11.

Conditions:
Hereditary cancer-predisposing syndrome. Also called: Neoplastic Syndromes, Hereditary; Tumor predisposition; Hereditary neoplastic syndrome; Hereditary Cancer Syndrome. Identifiers: Orphanet 140162, MedGen C0027672, MeSH D009386, MONDO:0015356.
Familial adenomatous polyposis 1 (FAP1). Also called: POLYPOSIS, ADENOMATOUS INTESTINAL; FAMILIAL ADENOMATOUS POLYPOSIS 1, ATTENUATED. Identifiers: MedGen C2713442, MONDO:0021056, OMIM 175100. Disease mechanism: loss of function.

Allele frequency attached by ClinVar (database versions not stated): gnomAD exomes below 0.00001 and 0.00001; TOPMed below 0.00001; gnomAD 0.00001.
gnomAD v4.1: 4 of 1,611,500 alleles (0.00025%); highest among the groups gnomAD compares: East Asian, 0.0045%; no homozygotes.

Submissions (2):

Labcorp Genetics (formerly Invitae), Labcorp
Classification: Uncertain significance for Familial adenomatous polyposis 1. Last evaluated: 2025-06-11. Review status: criteria provided, single submitter. Criteria: Invitae Variant Classification Sherloc (09022015). Collection method: clinical testing. Allele origin: germline.
Comment: This sequence change replaces lysine, which is basic and polar, with glutamic acid, which is acidic and polar, at codon 2173 of the APC protein (p.Lys2173Glu). This variant is present in population databases (no rsID available, gnomAD 0.006%). This variant has not been reported in the literature in individuals affected with APC-related conditions. ClinVar contains an entry for this variant (Variation ID: 826460). Invitae Evidence Modeling of protein sequence and biophysical properties (such as structural, functional, and spatial information, amino acid conservation, physicochemical variation, residue mobility, and thermodynamic stability) indicates that this missense variant is not expected to disrupt APC protein function with a negative predictive value of 95%. In summary, the available evidence is currently insufficient to determine the role of this variant in disease. Therefore, it has been classified as a Variant of Uncertain Significance.

Ambry Genetics
Classification: Uncertain significance for Hereditary cancer-predisposing syndrome. Last evaluated: 2019-09-11. Review status: criteria provided, single submitter. Criteria: Ambry Variant Classification Scheme 2023. Collection method: clinical testing. Allele origin: germline.
Comment: The p.K2173E variant (also known as c.6517A>G), located in coding exon 15 of the APC gene, results from an A to G substitution at nucleotide position 6517. The lysine at codon 2173 is replaced by glutamic acid, an amino acid with similar properties. This amino acid position is well conserved in available vertebrate species. In addition, in silico predictors for this gene do not accurately predict pathogenicity. Since supporting evidence is limited at this time, the clinical significance of this alteration remains unclear.

NM_000038.6(APC):c.6517A>G (p.Lys2173Glu)

Gene: APC (APC regulator of Wnt signaling pathway; plus strand). Cytogenetic location: 5q22.2.
Variant type: single nucleotide variant.
Coding change: c.6517A>G on transcript NM_000038.6 (MANE Select); coding-DNA position 6517, A replaced by G.
Protein change: p.Lys2173Glu; replaces lysine 2173 with glutamic acid.
Molecular consequence: missense variant.
Genome position (GRCh38, 1-based): chr5:112,842,111, A>G. VCF-style: chr5-112842111-A-G. GRCh37 (hg19) VCF-style: chr5-112177808-A-G.
Other names: c.6517A>G, p.Lys2173Glu (NM_001127510.3, NM_001354895.2); c.6463A>G, p.Lys2155Glu (NM_001127511.3); c.6571A>G, p.Lys2191Glu (NM_001354896.2); c.6547A>G, p.Lys2183Glu (NM_001354897.2); c.6442A>G, p.Lys2148Glu (NM_001354898.2); c.6433A>G, p.Lys2145Glu (NM_001354899.2); c.6394A>G, p.Lys2132Glu (NM_001354900.2); c.6340A>G, p.Lys2114Glu (NM_001354901.2); and 5 more; short protein forms K1890E, K2072E, K2191E, K2047E, K2082E, K2132E, K2148E, K2183E.
Identifiers: ClinVar variation 826460 (VCV000826460.5), dbSNP rs1256844270, ClinGen allele CA16035587.
Genomic context (GRCh38, chr5:112,842,111, plus strand): 5'-GATCAAGAAGAAAAACCCTTTACAAGTAATAAAGGCCCACGAATTCTAAAACCAGGGGAG[A>G]AAAGTACATTGGAAACTAAAAAGATAGAATCTGAAAGTAAAGGAATCAAAGGAGGAAAAA-3'
Protein context (NP_000029.2, residues 2163-2183): KGPRILKPGE[Lys2173Glu]STLETKKIES